The following is an entry in ClinVar:

ClinVar aggregate classification (germline): Conflicting classifications of pathogenicity. Review status: criteria provided, conflicting classifications (1 of 4 stars). 3 submissions from 3 submitters: Uncertain significance (2); Likely benign (1). Last evaluated 2026-10-08.

Conditions:
FLNA-related disorder.
Oto-palato-digital syndrome, type II (OPD2). Also called: FACIOPALATOOSSEOUS SYNDROME; OPD II SYNDROME; Otopalatodigital Syndrome Type 2 (FLNA-OPD2); Otopalatodigital Syndrome, Type II. Identifiers: Orphanet 669, Orphanet 90652, MedGen C1844696, MONDO:0010571, OMIM 304120.
Frontometaphyseal dysplasia (FMD1). Identifiers: Orphanet 1826, MedGen C0265293, MONDO:0015942.
Heterotopia, periventricular, X-linked dominant (PVNH1). Also called: PERIVENTRICULAR NODULAR HETEROTOPIA 1; X-linked periventricular heterotopia; PERIVENTRICULAR NODULAR HETEROTOPIA 4; HETEROTOPIA, PERIVENTRICULAR, 1. Identifiers: Orphanet 2149, Orphanet 82004, MedGen C1848213, MONDO:0010233, OMIM 300049.
Melnick-Needles syndrome (MNS). Also called: MELNICK-NEEDLES OSTEODYSPLASTY; OSTEODYSPLASTY OF MELNICK AND NEEDLES; Melnick-Needles Syndrome (FLNA-MNS). Identifiers: Orphanet 2484, MedGen C0025237, MONDO:0010650, OMIM 309350.
Connective tissue disorder. Also called: Connective tissue disease. Identifiers: MedGen C0009782, MONDO:0003900.

Allele frequency attached by ClinVar (database versions not stated): gnomAD exomes 0.00002 and 0.00001; ExAC 0.00001.
gnomAD v4.1: 16 of 1,212,346 alleles (0.0013%); highest among the groups gnomAD compares: Non-Finnish European, 0.0018%; no homozygotes.

Submissions (3):

GeneDx
Classification: Uncertain significance. Last evaluated: 2026-10-08. Review status: criteria provided, single submitter. Criteria: GeneDx Variant Classification Process June 2021. Collection method: clinical testing. Allele origin: germline.
Comment: Not observed at significant frequency in large population cohorts (gnomAD); In silico analysis supports that this missense variant has a deleterious effect on protein structure/function; Has not been previously published as pathogenic or benign to our knowledge

Labcorp Genetics (formerly Invitae), Labcorp
Classification: Uncertain significance for Oto-palato-digital syndrome, type II; Heterotopia, periventricular, X-linked dominant; Frontometaphyseal dysplasia; Melnick-Needles syndrome. Last evaluated: 2021-02-03. Review status: criteria provided, single submitter. Criteria: Invitae Variant Classification Sherloc (09022015). Collection method: clinical testing. Allele origin: germline.
Comment: This variant has not been reported in the literature in individuals with FLNA-related conditions. ClinVar contains an entry for this variant (Variation ID: 213515). In summary, the available evidence is currently insufficient to determine the role of this variant in disease. Therefore, it has been classified as a Variant of Uncertain Significance. Advanced modeling of protein sequence and biophysical properties (such as structural, functional, and spatial information, amino acid conservation, physicochemical variation, residue mobility, and thermodynamic stability) performed at Invitae indicates that this missense variant is not expected to disrupt FLNA protein function. This variant is present in population databases (rs781879374, ExAC 0.002%). This sequence change replaces lysine with asparagine at codon 400 of the FLNA protein (p.Lys400Asn). The lysine residue is highly conserved and there is a moderate physicochemical difference between lysine and asparagine.

Center for Human Genetics, Inc
Classification: Likely benign for Connective tissue disorder. Last evaluated: 2018-06-01. Review status: criteria provided, single submitter. Criteria: ACMG Guidelines, 2015. Collection method: clinical testing. Allele origin: germline. Affected: yes.

NM_001110556.2(FLNA):c.1200G>T (p.Lys400Asn)

Gene: FLNA (filamin A; minus strand). Cytogenetic location: Xq28.
Variant type: single nucleotide variant.
Coding change: c.1200G>T on transcript NM_001110556.2 (MANE Select); coding-DNA position 1200, G replaced by T.
Protein change: p.Lys400Asn; replaces lysine 400 with asparagine.
Molecular consequence: missense variant.
Genome position (GRCh38, 1-based): chrX:154,366,336, C>A on the plus strand (G>T on the coding strand, the complement: FLNA is on the minus strand). VCF-style: chrX-154366336-C-A. GRCh37 (hg19) VCF-style: chrX-153594704-C-A.
Other names: p.K400N:AAG>AAT; c.1200G>T, p.Lys400Asn (NM_001456.4); short protein forms K400N.
Identifiers: ClinVar variation 213515 (VCV000213515.16), dbSNP rs781879374, ClinGen allele CA324252.